The following is an entry in ClinVar:

NM_015512.5(DNAH1):c.8032A>C (p.Ile2678Leu)

Gene: DNAH1 (dynein axonemal heavy chain 1; plus strand). Cytogenetic location: 3p21.1.
Variant type: single nucleotide variant.
Coding change: c.8032A>C on transcript NM_015512.5 (MANE Select); coding-DNA position 8032, A replaced by C.
Protein change: p.Ile2678Leu; replaces isoleucine 2678 with leucine.
Molecular consequence: missense variant.
Genome position (GRCh38, 1-based): chr3:52,383,476, A>C. VCF-style: chr3-52383476-A-C. GRCh37 (hg19) VCF-style: chr3-52417492-A-C.
Other names: short protein forms I2678L.
Identifiers: ClinVar variation 2192303 (VCV002192303.4), dbSNP rs980228938, ClinGen allele CA74771904.

ClinVar aggregate classification (germline): Uncertain significance (1 of 4 stars; one submission).

Conditions:
Ciliary dyskinesia, primary, 37 (CILD37). Also called: CILIARY DYSKINESIA, PRIMARY, 37, WITH OR WITHOUT SITUS INVERSUS. Identifiers: MedGen C4539798, MONDO:0033204, OMIM 617577.
Spermatogenic failure 18. Identifiers: MedGen C4539783, MONDO:0054615, OMIM 617576.

Allele frequency attached by ClinVar (database versions not stated): gnomAD exomes below 0.00001; gnomAD 0.00001; TOPMed 0.00001.
gnomAD v4.1: 3 of 1,613,808 alleles (0.00019%); highest among the groups gnomAD compares: Non-Finnish European, 0.00025%; no homozygotes.

Submission:

Labcorp Genetics (formerly Invitae), Labcorp
Classification: Uncertain significance for Ciliary dyskinesia, primary, 37; Spermatogenic failure 18. Last evaluated: 2022-07-14. Review status: criteria provided, single submitter. Criteria: Invitae Variant Classification Sherloc (09022015). Collection method: clinical testing. Allele origin: germline.
Comment: In summary, the available evidence is currently insufficient to determine the role of this variant in disease. Therefore, it has been classified as a Variant of Uncertain Significance. Algorithms developed to predict the effect of missense changes on protein structure and function are either unavailable or do not agree on the potential impact of this missense change (SIFT: "Deleterious"; PolyPhen-2: "Probably Damaging"; Align-GVGD: "Class C0"). This variant has not been reported in the literature in individuals affected with DNAH1-related conditions. This variant is not present in population databases (gnomAD no frequency). This sequence change replaces isoleucine, which is neutral and non-polar, with leucine, which is neutral and non-polar, at codon 2678 of the DNAH1 protein (p.Ile2678Leu).